The following is an entry in ClinVar:

ClinVar aggregate classification (germline): Uncertain significance (1 of 4 stars; one submission).

Conditions:
Primary ciliary dyskinesia. Also called: Ciliary dyskinesia. Identifiers: Orphanet 244, MedGen C0008780, MONDO:0016575, HP:0012265.

gnomAD v4.1: 4 of 1,544,776 alleles (0.00026%); highest among the groups gnomAD compares: Non-Finnish European, 0.00035%; no homozygotes.

Submission:

Ambry Genetics
Classification: Uncertain significance for Primary ciliary dyskinesia. Last evaluated: 2025-12-24. Review status: criteria provided, single submitter. Criteria: Ambry Variant Classification Scheme 2023. Collection method: clinical testing. Allele origin: germline.
Comment: The p.R745K variant (also known as c.2234G>A), located in coding exon 16 of the CCDC39 gene, results from a G to A substitution at nucleotide position 2234. The arginine at codon 745 is replaced by lysine, an amino acid with highly similar properties. This amino acid position is conserved. In addition, this alteration is predicted to be tolerated by in silico analysis. Based on the available evidence, the clinical significance of this variant remains unclear.

NM_181426.2(CCDC39):c.2234G>A (p.Arg745Lys)

Gene: CCDC39 (coiled-coil domain 39 molecular ruler complex subunit; minus strand). Cytogenetic location: 3q26.33.
Variant type: single nucleotide variant.
Coding change: c.2234G>A on transcript NM_181426.2 (MANE Select); coding-DNA position 2234, G replaced by A.
Protein change: p.Arg745Lys; replaces arginine 745 with lysine.
Molecular consequence: missense variant.
Genome position (GRCh38, 1-based): chr3:180,619,290, C>T on the plus strand (G>A on the coding strand, the complement: CCDC39 is on the minus strand). VCF-style: chr3-180619290-C-T. GRCh37 (hg19) VCF-style: chr3-180337078-C-T.
Other names: short protein forms R745K.
Identifiers: ClinVar variation 4842224 (VCV004842224.1).